The following is an entry in ClinVar:

NM_001347721.2(DYRK1A):c.637+14C>T

Gene: DYRK1A (dual specificity tyrosine phosphorylation regulated kinase 1A; plus strand). Cytogenetic location: 21q22.13.
Variant type: single nucleotide variant.
Coding change: c.637+14C>T on transcript NM_001347721.2 (MANE Select); 14 bases into the intron after coding-DNA position 637, C replaced by T.
Molecular consequence: intron variant.
Genome position (GRCh38, 1-based): chr21:37,486,628, C>T. VCF-style: chr21-37486628-C-T. GRCh37 (hg19) VCF-style: chr21-38858930-C-T.
Other names: c.664+14C>T (NM_001396.5, NM_101395.2, NM_130438.2); c.637+14C>T (NM_001347722.2, NM_130436.2); c.550+14C>T (NM_001347723.2).
Identifiers: ClinVar variation 4245912 (VCV004245912.1).

ClinVar aggregate classification (germline): Uncertain significance (1 of 4 stars; one submission).

Conditions:
Inborn genetic diseases. Identifiers: MedGen C0950123, MeSH D030342.

gnomAD v4.1: 1 of 1,525,840 alleles (0.000066%); highest among the groups gnomAD compares: Non-Finnish European, 0.000088%; no homozygotes.

Submission:

Ambry Genetics
Classification: Uncertain significance for Inborn genetic diseases. Last evaluated: 2025-08-12. Review status: criteria provided, single submitter. Criteria: Ambry Variant Classification Scheme 2023. Collection method: clinical testing. Allele origin: germline.
Comment: The c.664+14C>T intronic alteration results from a C to T substitution 14 nucleotides after coding exon 5 in the DYRK1A gene. This variant was not reported in population-based cohorts in the Genome Aggregation Database (gnomAD). This nucleotide position is well conserved in available vertebrate species. In silico splice site analysis predicts that this alteration may weaken the native splice donor site and will result in the creation or strengthening of a novel splice donor site. Based on insufficient or conflicting evidence, the clinical significance of this alteration remains unclear.